The following is an entry in ClinVar:

NM_005732.4(RAD50):c.333T>G (p.Phe111Leu)

Gene: RAD50 (RAD50 double strand break repair protein; plus strand). Cytogenetic location: 5q31.1.
Variant type: single nucleotide variant.
Coding change: c.333T>G on transcript NM_005732.4 (MANE Select); coding-DNA position 333, T replaced by G.
Protein change: p.Phe111Leu; replaces phenylalanine 111 with leucine.
Molecular consequence: missense variant.
Genome position (GRCh38, 1-based): chr5:132,575,896, T>G. VCF-style: chr5-132575896-T-G. GRCh37 (hg19) VCF-style: chr5-131911588-T-G.
Other names: short protein forms F111L.
Identifiers: ClinVar variation 577614 (VCV000577614.9), dbSNP rs1561634427, ClinGen allele CA360931306.
Genomic context (GRCh38, chr5:132,575,896, plus strand): 5'-AGAACTTATAGCTGTGCAAAGATCTATGGTGTGTACTCAGAAAAGCAAAAAGACAGAATT[T>G]AAAACTCTGGAAGGAGTCATTACTAGAACAAAGTAGGTGTTTATATGATATTTGAATTTC-3'
Protein context (NP_005723.2, residues 101-121): VCTQKSKKTE[Phe111Leu]KTLEGVITRT

ClinVar aggregate classification (germline): Uncertain significance (1 of 4 stars; one submission).

Conditions:
Hereditary cancer-predisposing syndrome. Also called: Tumor predisposition; Hereditary neoplastic syndrome; Hereditary Cancer Syndrome; Neoplastic Syndromes, Hereditary. Identifiers: Orphanet 140162, MedGen C0027672, MeSH D009386, MONDO:0015356.

Allele frequency attached by ClinVar (database versions not stated): gnomAD exomes below 0.00001.
gnomAD v4.1: 1 of 1,611,156 alleles (0.000062%); highest among the groups gnomAD compares: Non-Finnish European, 0.000085%; no homozygotes.

Submission:

Labcorp Genetics (formerly Invitae), Labcorp
Classification: Uncertain significance for Hereditary cancer-predisposing syndrome. Last evaluated: 2022-07-28. Review status: criteria provided, single submitter. Criteria: Invitae Variant Classification Sherloc (09022015). Collection method: clinical testing. Allele origin: germline.
Comment: Algorithms developed to predict the effect of missense changes on protein structure and function (SIFT, PolyPhen-2, Align-GVGD) all suggest that this variant is likely to be tolerated. ClinVar contains an entry for this variant (Variation ID: 577614). This variant has not been reported in the literature in individuals affected with RAD50-related conditions. This variant is not present in population databases (gnomAD no frequency). This sequence change replaces phenylalanine, which is neutral and non-polar, with leucine, which is neutral and non-polar, at codon 111 of the RAD50 protein (p.Phe111Leu). In summary, the available evidence is currently insufficient to determine the role of this variant in disease. Therefore, it has been classified as a Variant of Uncertain Significance.